The following is an entry in ClinVar:

NM_001032283.3(TMPO):c.565+1641A>G

Gene: TMPO (thymopoietin; plus strand). Cytogenetic location: 12q23.1.
Variant type: single nucleotide variant.
Coding change: c.565+1641A>G on transcript NM_001032283.3 (MANE Select); 1641 bases into the intron after coding-DNA position 565, A replaced by G.
Molecular consequence: intron variant. On other transcripts: missense variant (1).
Genome position (GRCh38, 1-based): chr12:98,533,479, A>G. VCF-style: chr12-98533479-A-G. GRCh37 (hg19) VCF-style: chr12-98927257-A-G.
Other names: c.1222A>G, p.Ile408Val (NM_003276.2); c.565+1641A>G (NM_001307975.2, NM_001032284.3); short protein forms I408V.
Identifiers: ClinVar variation 178142 (VCV000178142.23), dbSNP rs143232629, ClinGen allele CA181540.

ClinVar aggregate classification (germline): Conflicting classifications of pathogenicity. Review status: criteria provided, conflicting classifications (1 of 4 stars). 4 submissions from 4 submitters: Uncertain significance (3); Likely benign (1). Last evaluated 2026-01-06.

Conditions:
Loeys-Dietz syndrome 2 (LDS2). Also called: TGFBR2-Related Loeys-Dietz Syndrome; AORTIC ANEURYSM, FAMILIAL THORACIC 3; MARFAN SYNDROME, TYPE II; Marfan Syndrome type 2; Marfan like connective tissue disorder; MFS 2. Identifiers: Orphanet 284973, Orphanet 558, MedGen C2674574, MONDO:0012427, OMIM 610168.
Hypertrophic cardiomyopathy. Also called: HYPERTROPHIC MYOCARDIOPATHY. Identifiers: Orphanet 217569, MedGen C0007194, MeSH D002312, MONDO:0005045, HP:0001639.

Allele frequency attached by ClinVar (database versions not stated): ExAC 0.00007; gnomAD exomes 0.00010 and 0.00028; gnomAD 0.00011; TOPMed 0.00013; ESP Exome Variant Server 0.00015.
gnomAD v4.1: 421 of 1,614,200 alleles (0.026%); highest among the groups gnomAD compares: Non-Finnish European, 0.034%; no homozygotes.

Submissions (4):

Labcorp Genetics (formerly Invitae), Labcorp
Classification: Uncertain significance for Loeys-Dietz syndrome 2. Last evaluated: 2026-01-06. Review status: criteria provided, single submitter. Criteria: Invitae Variant Classification Sherloc (09022015). Collection method: clinical testing. Allele origin: germline.
Comment: This sequence change replaces isoleucine, which is neutral and non-polar, with valine, which is neutral and non-polar, at codon 408 of the TMPO protein (p.Ile408Val). This variant is present in population databases (rs143232629, gnomAD 0.03%). This missense change has been observed in individual(s) with dilated cardiomyopathy (PMID: 31983221). ClinVar contains an entry for this variant (Variation ID: 178142). Invitae Evidence Modeling of protein sequence and biophysical properties (such as structural, functional, and spatial information, amino acid conservation, physicochemical variation, residue mobility, and thermodynamic stability) indicates that this missense variant is not expected to disrupt TMPO protein function with a negative predictive value of 80%. In summary, the available evidence is currently insufficient to determine the role of this variant in disease. Therefore, it has been classified as a Variant of Uncertain Significance.

GeneDx
Classification: Uncertain significance. Last evaluated: 2026-01-04. Review status: criteria provided, single submitter. Criteria: GeneDx Variant Classification Process June 2021. Collection method: clinical testing. Allele origin: germline. Affected: yes.
Comment: In silico analysis suggests that this missense variant does not alter protein structure/function; Variants in candidate genes are classified as variants of uncertain significance in accordance with ACMG guidelines (PMID: 25741868); This variant is associated with the following publications: (PMID: 31983221)

Center for Advanced Laboratory Medicine, UC San Diego Health, University of California San Diego
Classification: Likely benign for Hypertrophic cardiomyopathy. Last evaluated: 2018-12-14. Review status: criteria provided, single submitter. Criteria: ACMG Guidelines, 2015. Collection method: clinical testing. Allele origin: germline. Affected: yes. Observed: 1 variant allele.

Laboratory for Molecular Medicine, Mass General Brigham Personalized Medicine
Classification: Uncertain significance. Last evaluated: 2015-07-15. Review status: criteria provided, single submitter. Criteria: LMM Criteria. Collection method: clinical testing. Allele origin: germline. Observed: 1 variant allele.
Comment: proposed classification - variant undergoing re-assessment, contact laboratory

Literature cited by the submitters: PubMed 31983221 (cited by Labcorp Genetics (formerly Invitae), Labcorp).